The following is an entry in ClinVar:

ClinVar aggregate classification (germline): Uncertain significance (1 of 4 stars; one submission).

Conditions:
Hereditary cancer-predisposing syndrome. Also called: Neoplastic Syndromes, Hereditary; Tumor predisposition; Hereditary Cancer Syndrome; Hereditary neoplastic syndrome. Identifiers: Orphanet 140162, MedGen C0027672, MeSH D009386, MONDO:0015356.

Submission:

Ambry Genetics
Classification: Uncertain significance for Hereditary cancer-predisposing syndrome. Last evaluated: 2026-03-06. Review status: criteria provided, single submitter. Criteria: Ambry Variant Classification Scheme 2023. Collection method: clinical testing. Allele origin: germline.
Comment: The p.N152T variant (also known as c.455A>C), located in coding exon 4 of the RAD50 gene, results from an A to C substitution at nucleotide position 455. The asparagine at codon 152 is replaced by threonine, an amino acid with similar properties. This amino acid position is conserved. In addition, this alteration is predicted to be tolerated by in silico analysis. Based on the available evidence, the clinical significance of this variant remains unclear.

NM_005732.4(RAD50):c.455A>C (p.Asn152Thr)

Gene: RAD50 (RAD50 double strand break repair protein; plus strand). Cytogenetic location: 5q31.1.
Variant type: single nucleotide variant.
Coding change: c.455A>C on transcript NM_005732.4 (MANE Select); coding-DNA position 455, A replaced by C.
Protein change: p.Asn152Thr; replaces asparagine 152 with threonine.
Molecular consequence: missense variant.
Genome position (GRCh38, 1-based): chr5:132,579,406, A>C. VCF-style: chr5-132579406-A-C. GRCh37 (hg19) VCF-style: chr5-131915098-A-C.
Other names: short protein forms N152T.
Identifiers: ClinVar variation 4826862 (VCV004826862.1).
Genomic context (GRCh38, chr5:132,579,406, plus strand): 5'-AGTGTGCAGAAATTGACCGAGAAATGATCAGTTCTCTTGGGGTTTCCAAGGCTGTGCTAA[A>C]TAATGTCATTTTCTGTCATCAAGAAGATTCTAATTGGCCTTTAAGTGAAGGAAAGGCTTT-3'
Protein context (NP_005723.2, residues 142-162): SSLGVSKAVL[Asn152Thr]NVIFCHQEDS